The following is an entry in ClinVar:

ClinVar aggregate classification (germline): Uncertain significance. Review status: criteria provided, multiple submitters, no conflicts (2 of 4 stars). 2 submissions from 2 submitters: Uncertain significance (2). Last evaluated 2024-09-08.

Conditions:
Loeys-Dietz syndrome 2 (LDS2). Also called: TGFBR2-Related Loeys-Dietz Syndrome; Marfan syndrome, type 2 (formerly); AORTIC ANEURYSM, FAMILIAL THORACIC 3; MARFAN SYNDROME, TYPE II; Marfan Syndrome type 2; Marfan like connective tissue disorder. Identifiers: Orphanet 284973, Orphanet 558, MedGen C2674574, MONDO:0012427, OMIM 610168.

gnomAD v4.1: 9 of 1,612,678 alleles (0.00056%); highest among the groups gnomAD compares: Non-Finnish European, 0.00068%; no homozygotes.

Submissions (2):

Ambry Genetics
Classification: Uncertain significance. Last evaluated: 2024-09-08. Review status: criteria provided, single submitter. Criteria: Ambry Variant Classification Scheme 2023. Collection method: clinical testing. Allele origin: germline.

Labcorp Genetics (formerly Invitae), Labcorp
Classification: Uncertain significance for Loeys-Dietz syndrome 2. Last evaluated: 2023-02-13. Review status: criteria provided, single submitter. Criteria: Invitae Variant Classification Sherloc (09022015). Collection method: clinical testing. Allele origin: germline.
Comment: In summary, the available evidence is currently insufficient to determine the role of this variant in disease. Therefore, it has been classified as a Variant of Uncertain Significance. Advanced modeling of protein sequence and biophysical properties (such as structural, functional, and spatial information, amino acid conservation, physicochemical variation, residue mobility, and thermodynamic stability) performed at Invitae indicates that this missense variant is not expected to disrupt TMPO protein function. This variant has not been reported in the literature in individuals affected with TMPO-related conditions. This variant is not present in population databases (gnomAD no frequency). This sequence change replaces lysine, which is basic and polar, with glutamic acid, which is acidic and polar, at codon 688 of the TMPO protein (p.Lys688Glu).

NM_001032283.3(TMPO):c.565+2481A>G

Gene: TMPO (thymopoietin; plus strand). Cytogenetic location: 12q23.1.
Variant type: single nucleotide variant.
Coding change: c.565+2481A>G on transcript NM_001032283.3 (MANE Select); 2481 bases into the intron after coding-DNA position 565, A replaced by G.
Molecular consequence: intron variant. On other transcripts: missense variant (1).
Genome position (GRCh38, 1-based): chr12:98,534,319, A>G. VCF-style: chr12-98534319-A-G. GRCh37 (hg19) VCF-style: chr12-98928097-A-G.
Other names: c.2062A>G, p.Lys688Glu (NM_003276.2); c.565+2481A>G (NM_001307975.2, NM_001032284.3); short protein forms K688E.
Identifiers: ClinVar variation 2728288 (VCV002728288.4), dbSNP rs1482407845, ClinGen allele CA386154527.